The following is an entry in ClinVar:

NM_014055.4(IFT81):c.1553A>G (p.Tyr518Cys)

Gene: IFT81 (intraflagellar transport 81; plus strand). Cytogenetic location: 12q24.11.
Variant type: single nucleotide variant.
Coding change: c.1553A>G on transcript NM_014055.4 (MANE Select); coding-DNA position 1553, A replaced by G.
Protein change: p.Tyr518Cys; replaces tyrosine 518 with cysteine.
Molecular consequence: missense variant. On other transcripts: non-coding transcript variant (4).
Genome position (GRCh38, 1-based): chr12:110,192,702, A>G. VCF-style: chr12-110192702-A-G. GRCh37 (hg19) VCF-style: chr12-110630507-A-G.
Other names: c.1553A>G, p.Tyr518Cys (NM_001143779.2); c.623A>G, p.Tyr208Cys (NM_001347947.2, NM_001347948.2); short protein forms Y208C, Y518C.
Identifiers: ClinVar variation 847549 (VCV000847549.5), dbSNP rs755909887, ClinGen allele CA6783395.

ClinVar aggregate classification (germline): Uncertain significance (1 of 4 stars; one submission).

Allele frequency attached by ClinVar (database versions not stated): gnomAD exomes 0.00001 and 0.00003; TOPMed 0.00001; ExAC 0.00003.
gnomAD v4.1: 7 of 1,545,630 alleles (0.00045%); highest among the groups gnomAD compares: Admixed American, 0.013%; no homozygotes.

Submission:

Labcorp Genetics (formerly Invitae), Labcorp
Classification: Uncertain significance. Last evaluated: 2022-10-24. Review status: criteria provided, single submitter. Criteria: Invitae Variant Classification Sherloc (09022015). Collection method: clinical testing. Allele origin: germline.
Comment: This sequence change replaces tyrosine, which is neutral and polar, with cysteine, which is neutral and slightly polar, at codon 518 of the IFT81 protein (p.Tyr518Cys). This variant is present in population databases (rs755909887, gnomAD 0.02%). This variant has not been reported in the literature in individuals affected with IFT81-related conditions. ClinVar contains an entry for this variant (Variation ID: 847549). Advanced modeling of protein sequence and biophysical properties (such as structural, functional, and spatial information, amino acid conservation, physicochemical variation, residue mobility, and thermodynamic stability) performed at Invitae indicates that this missense variant is not expected to disrupt IFT81 protein function. In summary, the available evidence is currently insufficient to determine the role of this variant in disease. Therefore, it has been classified as a Variant of Uncertain Significance.